The following is an entry in ClinVar:

ClinVar aggregate classification (germline): Likely pathogenic (1 of 4 stars; one submission).

Conditions:
Hereditary insensitivity to pain with anhidrosis (CIPA). Also called: INSENSITIVITY TO PAIN, CONGENITAL, WITH ANHIDROSIS; FAMILIAL DYSAUTONOMIA, TYPE II; NEUROPATHY, CONGENITAL SENSORY, WITH ANHIDROSIS; HSAN Type IV; hereditary sensory and autonomic neuropathy type 4; NTRK1 Congenital Insensitivity to Pain with Anhidrosis. Identifiers: Orphanet 642, MedGen C0020074, MONDO:0009746, OMIM 256800.

Submission:

Natera, Inc.
Classification: Likely pathogenic for Hereditary insensitivity to pain with anhidrosis. Last evaluated: 2024-07-24. Review status: criteria provided, single submitter. Criteria: Natera Variant Classification Schema (03/2026). Collection method: clinical testing. Allele origin: germline.
Comment: The c.1234del variant in NTRK1 is a frameshift variant predicted to shift the reading frame beginning at codon 412 and leads to a stop codon 52 codons downstream. This variant is expected to result in nonsense mediated decay, truncation, or a dysfunctional protein product. This variant is rare in the general population with a frequency below the threshold expected for the associated phenotype(s). Given the available evidence, this variant is classified as Likely Pathogenic.

NM_001012331.1(NTRK1):c.1234del

Gene: NTRK1 (neurotrophic receptor tyrosine kinase 1; plus strand). Cytogenetic location: 1q23.1.
Variant type: Deletion.
Coding change: c.1234del on transcript NM_001012331.1; coding-DNA position 1234, one base deleted (G; older notation c.1234delG).
Genome position (GRCh38, 1-based): chr1:156,874,906, G deleted; the last of 2 consecutive G bases (chr1:156,874,905-156,874,906); deleting either gives the same sequence. VCF-style (leftmost placement, unchanged base first): chr1-156874904-AG-A. GRCh37 (hg19) VCF-style: chr1-156844696-AG-A.
Identifiers: ClinVar variation 4814504 (VCV004814504.1).